The following is an entry in ClinVar:

NM_006015.6(ARID1A):c.4432C>A (p.Pro1478Thr)

Gene: ARID1A (AT-rich interaction domain 1A; plus strand). Cytogenetic location: 1p36.11.
Variant type: single nucleotide variant.
Coding change: c.4432C>A on transcript NM_006015.6 (MANE Select); coding-DNA position 4432, C replaced by A.
Protein change: p.Pro1478Thr; replaces proline 1478 with threonine.
Molecular consequence: missense variant. On other transcripts: intron variant (1).
Genome position (GRCh38, 1-based): chr1:26,774,659, C>A. VCF-style: chr1-26774659-C-A. GRCh37 (hg19) VCF-style: chr1-27101150-C-A.
Other names: c.4102-321C>A (NM_139135.4); short protein forms P1478T.
Identifiers: ClinVar variation 2662965 (VCV002662965.1), dbSNP rs2124119404, ClinGen allele CA339175435.

ClinVar aggregate classification (germline): Uncertain significance (1 of 4 stars; one submission).

Submission:

GeneDx
Classification: Uncertain significance. Last evaluated: 2023-04-18. Review status: criteria provided, single submitter. Criteria: GeneDx Variant Classification Process June 2021. Collection method: clinical testing. Allele origin: germline. Affected: yes.
Comment: Not observed at significant frequency in large population cohorts (gnomAD); In silico analysis supports that this missense variant has a deleterious effect on protein structure/function; Has not been previously published as pathogenic or benign to our knowledge